The following is an entry in ClinVar:

NM_000488.4(SERPINC1):c.189dup (p.Glu64Ter)

Gene: SERPINC1 (serpin family C member 1; minus strand). Cytogenetic location: 1q25.1.
Variant type: Duplication.
Coding change: c.189dup on transcript NM_000488.4 (MANE Select); coding-DNA position 189, one base duplicated (T; older notation c.189dupT).
Protein change: p.Glu64Ter; replaces glutamic acid 64 with a stop codon.
Molecular consequence: nonsense. On other transcripts: frameshift variant (1).
Genome position (GRCh38, 1-based): chr1:173,914,772, A duplicated on the plus strand (T on the coding strand, the reverse complement: SERPINC1 is on the minus strand). VCF-style (leftmost placement, unchanged base first): chr1-173914771-C-CA. GRCh37 (hg19) VCF-style: chr1-173883909-C-CA.
Other names: c.45dup, p.Glu16Ter (NM_001365052.2); c.189dup, p.Glu64Ter (NM_001386302.1, NM_001386304.1, NM_001386305.1 and 1 more transcripts); c.270dup, p.Glu91Ter (NM_001386303.1); c.189dupT (NM_000488.3); short protein forms E16*, E64*, E91*.
Identifiers: ClinVar variation 3046570 (VCV003046570.2), dbSNP rs2526595830, ClinGen allele CA2649174715.

ClinVar aggregate classification (germline): Likely pathogenic (0 of 4 stars; one submission).

Conditions:
SERPINC1-related disorder. Also called: SERPINC1-related condition.

Allele frequency attached by ClinVar (database versions not stated): gnomAD exomes below 0.00001.

Submission:

PreventionGenetics, part of Exact Sciences
Classification: Likely pathogenic for SERPINC1-related condition. Last evaluated: 2023-12-26. Review status: no assertion criteria provided. Collection method: clinical testing. Allele origin: germline.
Comment: The SERPINC1 c.189dupT variant is predicted to result in premature protein termination (p.Glu64*). To our knowledge, this variant has not been reported in the literature or in a large population database, indicating this variant is rare. Nonsense variants in SERPINC1 are expected to be pathogenic. This variant is interpreted as likely pathogenic.